The following is an entry in ClinVar:

NM_006521.6(TFE3):c.1061-5C>G

Gene: TFE3 (transcription factor binding to IGHM enhancer 3; minus strand). Cytogenetic location: Xp11.23.
Variant type: single nucleotide variant.
Coding change: c.1061-5C>G on transcript NM_006521.6 (MANE Select); 5 bases into the intron before coding-DNA position 1061, C replaced by G.
Molecular consequence: intron variant.
Genome position (GRCh38, 1-based): chrX:49,033,545, G>C on the plus strand (C>G on the coding strand, the complement: TFE3 is on the minus strand). VCF-style: chrX-49033545-G-C. GRCh37 (hg19) VCF-style: chrX-48891060-G-C.
Other names: c.746-5C>G (NM_001282142.2).
Identifiers: ClinVar variation 2230780 (VCV002230780.2), dbSNP rs1229316434, ClinGen allele CA641519389.

ClinVar aggregate classification (germline): Uncertain significance (1 of 4 stars; one submission).

Conditions:
Inborn genetic diseases. Identifiers: MedGen C0950123, MeSH D030342.

Allele frequency attached by ClinVar (database versions not stated): gnomAD exomes below 0.00001; TOPMed 0.00001.
gnomAD v4.1: 4 of 1,208,951 alleles (0.00033%); highest among the groups gnomAD compares: Admixed American, 0.0065%; no homozygotes.

Submission:

Ambry Genetics
Classification: Uncertain significance for Inborn genetic diseases. Last evaluated: 2021-06-01. Review status: criteria provided, single submitter. Criteria: Ambry Variant Classification Scheme 2023. Collection method: clinical testing. Allele origin: germline.
Comment: The c.1061-5C>G intronic alteration consists of a C to G substitution 5 nucleotides before coding exon 8 in the TFE3 gene. Based on insufficient or conflicting evidence, the clinical significance of this alteration remains unclear.